The following is an entry in ClinVar:

NC_000004.11:g.(?_5754553)_(5785501_?)del

Gene: EVC (EvC ciliary complex subunit 1; plus strand). Cytogenetic location: 4p16.2.
Variant type: Deletion.
Identifiers: ClinVar variation 2427446 (VCV002427446.3).

ClinVar aggregate classification (germline): Pathogenic (1 of 4 stars; one submission).

Conditions:
Curry-Hall syndrome (WAD). Also called: WEYERS ACRODENTAL DYSOSTOSIS. Identifiers: Orphanet 952, MedGen C0457013, MONDO:0008673, OMIM 193530.
Ellis-van Creveld syndrome (EVC). Also called: MESOECTODERMAL DYSPLASIA; EVC-Related Ellis-van Creveld Syndrome; EVC2-Related Ellis-van Creveld Syndrome; Chondroectodermal dysplasia. Identifiers: Orphanet 289, MedGen C0013903, MONDO:0009162, OMIM 225500.

Submission:

Labcorp Genetics (formerly Invitae), Labcorp
Classification: Pathogenic for Curry-Hall syndrome; Ellis-van Creveld syndrome. Last evaluated: 2022-03-01. Review status: criteria provided, single submitter. Criteria: Invitae Variant Classification Sherloc (09022015). Collection method: clinical testing. Allele origin: germline.
Comment: This variant is a gross deletion of the genomic region encompassing exon(s) 9-12 of the EVC gene. This variant would be expected to be in-frame, preserving the integrity of the reading frame. This variant has not been reported in the literature in individuals affected with EVC-related conditions. The region of the EVC gene that includes exon(s) exon 10 has been determined to be clinically significant (PMID: 17024374, 26748586; Invitae). Therefore, deletions that encompass that region are likely to be disease-causing. For these reasons, this variant has been classified as Pathogenic.

Literature cited by the submitters: PubMed 17024374; PubMed 26748586.